The following is an entry in ClinVar:

ClinVar aggregate classification (germline): Uncertain significance. Review status: criteria provided, multiple submitters, no conflicts (2 of 4 stars). 3 submissions from 3 submitters: Uncertain significance (2). 1 of the submissions does not count toward it. Last evaluated 2025-01-08.

Conditions:
Inborn genetic diseases. Identifiers: MedGen C0950123, MeSH D030342.
CHD8-related disorder. Also called: CHD8-related disorders; CHD8-related condition.

Allele frequency attached by ClinVar (database versions not stated): gnomAD exomes 0.00001; TOPMed 0.00001.
gnomAD v4.1: 5 of 1,613,998 alleles (0.00031%); highest among the groups gnomAD compares: Non-Finnish European, 0.00042%; no homozygotes.

Submissions (3):

Ambry Genetics
Classification: Uncertain significance for Inborn genetic diseases. Last evaluated: 2025-01-08. Review status: criteria provided, single submitter. Criteria: Ambry Variant Classification Scheme 2023. Collection method: clinical testing. Allele origin: germline.

Labcorp Genetics (formerly Invitae), Labcorp
Classification: Uncertain significance. Last evaluated: 2022-09-17. Review status: criteria provided, single submitter. Criteria: Invitae Variant Classification Sherloc (09022015). Collection method: clinical testing. Allele origin: germline.
Comment: This sequence change replaces alanine, which is neutral and non-polar, with glycine, which is neutral and non-polar, at codon 434 of the CHD8 protein (p.Ala434Gly). This variant is not present in population databases (gnomAD no frequency). This variant has not been reported in the literature in individuals affected with CHD8-related conditions. Advanced modeling of protein sequence and biophysical properties (such as structural, functional, and spatial information, amino acid conservation, physicochemical variation, residue mobility, and thermodynamic stability) performed at Invitae indicates that this missense variant is not expected to disrupt CHD8 protein function. In summary, the available evidence is currently insufficient to determine the role of this variant in disease. Therefore, it has been classified as a Variant of Uncertain Significance.

PreventionGenetics, part of Exact Sciences
Classification: Uncertain significance for CHD8-related condition. Last evaluated: 2024-02-07. Review status: no assertion criteria provided. Collection method: clinical testing. Allele origin: germline. Not counted in ClinVar's aggregate classification.
Comment: The CHD8 c.1301C>G variant is predicted to result in the amino acid substitution p.Ala434Gly. To our knowledge, this variant has not been reported in the literature or in a large population database, indicating this variant is rare. At this time, the clinical significance of this variant is uncertain due to the absence of conclusive functional and genetic evidence.

NM_001170629.2(CHD8):c.1301C>G (p.Ala434Gly)

Gene: CHD8 (chromodomain helicase DNA binding protein 8; minus strand). Cytogenetic location: 14q11.2.
Variant type: single nucleotide variant.
Coding change: c.1301C>G on transcript NM_001170629.2 (MANE Select); coding-DNA position 1301, C replaced by G.
Protein change: p.Ala434Gly; replaces alanine 434 with glycine.
Molecular consequence: missense variant.
Genome position (GRCh38, 1-based): chr14:21,428,169, G>C on the plus strand (C>G on the coding strand, the complement: CHD8 is on the minus strand). VCF-style: chr14-21428169-G-C. GRCh37 (hg19) VCF-style: chr14-21896328-G-C.
Other names: c.464C>G, p.Ala155Gly (NM_020920.4); c.1301C>G (NM_001170629.1); short protein forms A155G, A434G.
Identifiers: ClinVar variation 1929925 (VCV001929925.9), dbSNP rs1463321385, ClinGen allele CA388883668.
Genomic context (GRCh38, chr14:21,428,169, plus strand): 5'-TGTTCCAATCTGCGGTTTTCCTCCATTCCTGTCTTTCCCCCCGAATGAGGAGCAGAGCTT[G>C]CTGGTGATGACAAAGCTGCCACTTCACTGGCACTCAGAACTTTAACTACAGAGAGCCCAG-3'
Protein context (NP_001164100.1, residues 424-444): ASEVAALSSP[Ala434Gly]SSAPHSGGKT